The following is an entry in ClinVar:

NM_144670.6(A2ML1):c.1812_1815del (p.Asp604fs)

Gene: A2ML1 (alpha-2-macroglobulin like 1; plus strand). Cytogenetic location: 12p13.31.
Variant type: Microsatellite.
Coding change: c.1812_1815del on transcript NM_144670.6 (MANE Select); coding-DNA positions 1812 to 1815, 4 bases deleted (CAGA; older notation c.1812_1815delCAGA).
Protein change: p.Asp604fs; shifts the reading frame from aspartic acid 604.
Molecular consequence: frameshift variant.
Genome position (GRCh38, 1-based): chr12:8,847,677-8,847,680, CAGA deleted; deleting any 4 consecutive bases within chr12:8,847,673-8,847,680 gives the same sequence; the c. name uses the placement nearest the transcript's 3' end. VCF-style (leftmost placement, unchanged base first): chr12-8847672-CCAGA-C. GRCh37 (hg19) VCF-style: chr12-9000268-CCAGA-C.
Other names: c.339_342del, p.Asp113fs (NM_001282424.3); short protein forms D113fs, D604fs.
Identifiers: ClinVar variation 3714856 (VCV003714856.2).

ClinVar aggregate classification (germline): Uncertain significance (1 of 4 stars; one submission).

Submission:

Labcorp Genetics (formerly Invitae), Labcorp
Classification: Uncertain significance. Last evaluated: 2024-12-15. Review status: criteria provided, single submitter. Criteria: Invitae Variant Classification Sherloc (09022015). Collection method: clinical testing. Allele origin: germline.
Comment: This sequence change creates a premature translational stop signal (p.Asp604Glufs*3) in the A2ML1 gene. It is expected to result in an absent or disrupted protein product. However, the current clinical and genetic evidence is not sufficient to establish whether loss-of-function variants in A2ML1 cause disease. This variant is not present in population databases (gnomAD no frequency). This variant has not been reported in the literature in individuals affected with A2ML1-related conditions. In summary, the available evidence is currently insufficient to determine the role of this variant in disease. Therefore, it has been classified as a Variant of Uncertain Significance.